The following is an entry in ClinVar:

ClinVar aggregate classification (germline): Conflicting classifications of pathogenicity. Review status: criteria provided, conflicting classifications (1 of 4 stars). 2 submissions from 2 submitters: Likely pathogenic (1); Uncertain significance (1). Last evaluated 2024-01-22.

Conditions:
Hereditary cancer-predisposing syndrome. Also called: Tumor predisposition; Neoplastic Syndromes, Hereditary; Hereditary Cancer Syndrome; Hereditary neoplastic syndrome. Identifiers: Orphanet 140162, MedGen C0027672, MeSH D009386, MONDO:0015356.
Ataxia-telangiectasia syndrome (AT). Also called: ATAXIA-TELANGIECTASIA, COMPLEMENTATION GROUP A; ATAXIA-TELANGIECTASIA, FRESNO VARIANT; Ataxia-telangiectasia; Ataxia-telangiectasia, complementation group D; AT, COMPLEMENTATION GROUP C; Ataxia-telangiectasia, complementation group E. Identifiers: Orphanet 100, MedGen C0004135, MONDO:0008840, OMIM 208900.

Submissions (2):

Ambry Genetics
Classification: Likely pathogenic for Hereditary cancer-predisposing syndrome. Last evaluated: 2024-01-22. Review status: criteria provided, single submitter. Criteria: Ambry Variant Classification Scheme 2023. Collection method: clinical testing. Allele origin: germline.
Comment: The c.6006G>A variant (also known as p.Q2002Q), located in coding exon 39 of the ATM gene, results from a G to A substitution at nucleotide position 6006. This nucleotide substitution does not change the glutamine at codon 2002. However, this change occurs in the last base pair of coding exon 39, which makes it likely to have some effect on normal mRNA splicing. In silico splice site analysis predicts that this alteration will weaken the native splice donor site. RNA studies have demonstrated this alteration results in abnormal splicing in the set of samples tested (Ambry internal data). This variant is considered to be rare based on population cohorts in the Genome Aggregation Database (gnomAD). Based on the majority of available evidence to date, this variant is likely to be pathogenic.

Labcorp Genetics (formerly Invitae), Labcorp
Classification: Uncertain significance for Ataxia-telangiectasia syndrome. Last evaluated: 2019-05-27. Review status: criteria provided, single submitter. Criteria: Invitae Variant Classification Sherloc (09022015). Collection method: clinical testing. Allele origin: germline.
Comment: This sequence change affects codon 2002 of the ATM mRNA. It is a 'silent' change, meaning that it does not change the encoded amino acid sequence of the ATM protein. This variant also falls at the last nucleotide of exon 40 of the ATM coding sequence, which is part of the consensus splice site for this exon. This variant is not present in population databases (ExAC no frequency). This variant has not been reported in the literature in individuals with ATM-related conditions. Nucleotide substitutions within the consensus splice site are a relatively common cause of aberrant splicing (PMID: 17576681, 9536098). Algorithms developed to predict the effect of sequence changes on RNA splicing suggest that this variant may disrupt the consensus splice site, but this prediction has not been confirmed by published transcriptional studies. In summary, the available evidence is currently insufficient to determine the role of this variant in disease. Therefore, it has been classified as a Variant of Uncertain Significance.

Literature cited by the submitters: PubMed 17576681 (cited by Labcorp Genetics (formerly Invitae), Labcorp); PubMed 9536098 (cited by Labcorp Genetics (formerly Invitae), Labcorp).

NM_000051.4(ATM):c.6006G>A (p.Gln2002=)

Genes: ATM (ATM serine/threonine kinase; plus strand), C11orf65 (chromosome 11 open reading frame 65; minus strand). Cytogenetic location: 11q22.3.
Variant type: single nucleotide variant.
Coding change: c.6006G>A on transcript NM_000051.4 (MANE Select); coding-DNA position 6006, G replaced by A.
Protein change: p.Gln2002=; no amino-acid change (glutamine 2002 retained).
Molecular consequence: synonymous variant. On other transcripts: intron variant (2).
Genome position (GRCh38, 1-based): chr11:108,312,498, G>A. VCF-style: chr11-108312498-G-A. GRCh37 (hg19) VCF-style: chr11-108183225-G-A.
Other names: c.6006G>A, p.Gln2002= (NM_001351834.2); c.641-3427C>T (NM_001330368.2); c.*39-3427C>T (NM_001351110.2).
Identifiers: ClinVar variation 826127 (VCV000826127.12), dbSNP rs1591759073, ClinGen allele CA476675571.